The following is an entry in ClinVar:

NM_033026.6(PCLO):c.1565A>C (p.Gln522Pro)

Gene: PCLO (piccolo presynaptic cytomatrix protein; minus strand). Cytogenetic location: 7q21.11.
Variant type: single nucleotide variant.
Coding change: c.1565A>C on transcript NM_033026.6 (MANE Select); coding-DNA position 1565, A replaced by C.
Protein change: p.Gln522Pro; replaces glutamine 522 with proline.
Molecular consequence: missense variant.
Genome position (GRCh38, 1-based): chr7:83,155,076, T>G on the plus strand (A>C on the coding strand, the complement: PCLO is on the minus strand). VCF-style: chr7-83155076-T-G. GRCh37 (hg19) VCF-style: chr7-82784392-T-G.
Other names: c.1565A>C, p.Gln522Pro (NM_014510.3); short protein forms Q522P.
Identifiers: ClinVar variation 1968682 (VCV001968682.2), dbSNP rs761823040, ClinGen allele CA4321416.
Genomic context (GRCh38, chr7:83,155,076, plus strand): 5'-TGAGCTGAGGGTTTTGCTGAGCCAGGCTGTTGAGATGGGGGTTTTGTTGAGCCAGGCTGT[T>G]GAGGTGAGGGCTTTGCTGGGCCAGGCTGTTGAGGTGGGGGTTTTGTTGAGCCAGGCTGTT-3'
Protein context (NP_149015.2, residues 512-532): QQPGPAKPSP[Gln522Pro]QPGSTKPPSQ

ClinVar aggregate classification (germline): Uncertain significance (1 of 4 stars; one submission).

Allele frequency attached by ClinVar (database versions not stated): ExAC 0.00001; gnomAD exomes 0.00001; TOPMed 0.00001.
gnomAD v4.1: 23 of 1,609,994 alleles (0.0014%); highest among the groups gnomAD compares: Non-Finnish European, 0.0018%; no homozygotes.

Submission:

Labcorp Genetics (formerly Invitae), Labcorp
Classification: Uncertain significance. Last evaluated: 2022-01-11. Review status: criteria provided, single submitter. Criteria: Invitae Variant Classification Sherloc (09022015). Collection method: clinical testing. Allele origin: germline.
Comment: This sequence change replaces glutamine, which is neutral and polar, with proline, which is neutral and non-polar, at codon 522 of the PCLO protein (p.Gln522Pro). This variant is present in population databases (rs761823040, gnomAD 0.0009%). This variant has not been reported in the literature in individuals affected with PCLO-related conditions. Algorithms developed to predict the effect of missense changes on protein structure and function are either unavailable or do not agree on the potential impact of this missense change (SIFT: "Deleterious"; PolyPhen-2: "Benign"; Align-GVGD: "Class C0"). In summary, the available evidence is currently insufficient to determine the role of this variant in disease. Therefore, it has been classified as a Variant of Uncertain Significance.